The following is an entry in ClinVar:

NM_003079.5(SMARCE1):c.897G>T (p.Arg299Ser)

Gene: SMARCE1 (SWI/SNF related BAF chromatin remodeling complex subunit E1; minus strand). Cytogenetic location: 17q21.2.
Variant type: single nucleotide variant.
Coding change: c.897G>T on transcript NM_003079.5 (MANE Select); coding-DNA position 897, G replaced by T.
Protein change: p.Arg299Ser; replaces arginine 299 with serine.
Molecular consequence: missense variant.
Genome position (GRCh38, 1-based): chr17:40,630,844, C>A on the plus strand (G>T on the coding strand, the complement: SMARCE1 is on the minus strand). VCF-style: chr17-40630844-C-A. GRCh37 (hg19) VCF-style: chr17-38787096-C-A.
Other names: short protein forms R299S.
Identifiers: ClinVar variation 4808113 (VCV004808113.1).

ClinVar aggregate classification (germline): Uncertain significance (1 of 4 stars; one submission).

Conditions:
Familial meningioma. Also called: Meningioma, familial, susceptibility to. Identifiers: Orphanet 263662, MedGen C3551915, MONDO:0011789, OMIM 607174.

Submission:

Labcorp Genetics (formerly Invitae), Labcorp
Classification: Uncertain significance for Familial meningioma. Last evaluated: 2025-02-10. Review status: criteria provided, single submitter. Criteria: Invitae Variant Classification Sherloc (09022015). Collection method: clinical testing. Allele origin: germline.
Comment: This sequence change replaces arginine, which is basic and polar, with serine, which is neutral and polar, at codon 299 of the SMARCE1 protein (p.Arg299Ser). This variant is not present in population databases (gnomAD no frequency). This variant has not been reported in the literature in individuals affected with SMARCE1-related conditions. Invitae Evidence Modeling of protein sequence and biophysical properties (such as structural, functional, and spatial information, amino acid conservation, physicochemical variation, residue mobility, and thermodynamic stability) has been performed for this missense variant. However, the output from this modeling did not meet the statistical confidence thresholds required to predict the impact of this variant on SMARCE1 protein function. In summary, the available evidence is currently insufficient to determine the role of this variant in disease. Therefore, it has been classified as a Variant of Uncertain Significance.